The following is an entry in ClinVar:

ClinVar aggregate classification (germline): Uncertain significance. Review status: criteria provided, multiple submitters, no conflicts (2 of 4 stars). 2 submissions from 2 submitters: Uncertain significance (2). Last evaluated 2025-01-01.

Allele frequency attached by ClinVar (database versions not stated): gnomAD exomes 0.00001; gnomAD 0.00002; TOPMed 0.00002; 1000 Genomes Project 30x 0.00016; 1000 Genomes Project 0.00020.
gnomAD v4.1: 20 of 1,614,124 alleles (0.0012%); highest among the groups gnomAD compares: African/African-American, 0.016%; no homozygotes.

Submissions (2):

Labcorp Genetics (formerly Invitae), Labcorp
Classification: Uncertain significance. Last evaluated: 2025-01-01. Review status: criteria provided, single submitter. Criteria: Invitae Variant Classification Sherloc (09022015). Collection method: clinical testing. Allele origin: germline.
Comment: This sequence change replaces methionine, which is neutral and non-polar, with valine, which is neutral and non-polar, at codon 361 of the ITGB3 protein (p.Met361Val). This variant is present in population databases (rs201786330, gnomAD 0.008%). This variant has not been reported in the literature in individuals affected with ITGB3-related conditions. ClinVar contains an entry for this variant (Variation ID: 2580801). Invitae Evidence Modeling of protein sequence and biophysical properties (such as structural, functional, and spatial information, amino acid conservation, physicochemical variation, residue mobility, and thermodynamic stability) indicates that this missense variant is not expected to disrupt ITGB3 protein function with a negative predictive value of 95%. In summary, the available evidence is currently insufficient to determine the role of this variant in disease. Therefore, it has been classified as a Variant of Uncertain Significance.

GeneDx
Classification: Uncertain significance. Last evaluated: 2023-03-21. Review status: criteria provided, single submitter. Criteria: GeneDx Variant Classification Process June 2021. Collection method: clinical testing. Allele origin: germline. Affected: yes.
Comment: In silico analysis supports that this missense variant does not alter protein structure/function; Has not been previously published as pathogenic or benign to our knowledge

NM_000212.3(ITGB3):c.1081A>G (p.Met361Val)

Gene: ITGB3 (integrin subunit beta 3; plus strand). Cytogenetic location: 17q21.32.
Variant type: single nucleotide variant.
Coding change: c.1081A>G on transcript NM_000212.3 (MANE Select); coding-DNA position 1081, A replaced by G.
Protein change: p.Met361Val; replaces methionine 361 with valine.
Molecular consequence: missense variant.
Genome position (GRCh38, 1-based): chr17:47,290,230, A>G. VCF-style: chr17-47290230-A-G. GRCh37 (hg19) VCF-style: chr17-45367596-A-G.
Other names: short protein forms M361V.
Identifiers: ClinVar variation 2580801 (VCV002580801.4), dbSNP rs201786330, ClinGen allele CA291225432.